The following is an entry in ClinVar:

ClinVar aggregate classification (germline): Likely benign (1 of 4 stars; one submission).

gnomAD v4.1: 13 of 1,597,548 alleles (0.00081%); highest among the groups gnomAD compares: Non-Finnish European, 0.0011%; no homozygotes.

Submission:

CeGaT Center for Human Genetics Tuebingen
Classification: Likely benign. Last evaluated: 2025-08-01. Review status: criteria provided, single submitter. Criteria: CeGaT Center For Human Genetics Tuebingen Variant Classification Criteria Version 2. Collection method: clinical testing. Allele origin: germline. Affected: yes. Observed: 1 variant allele.
Comment: CTNNA2: BP4, BP7

NM_001282597.3(CTNNA2):c.1056T>C (p.Asn352=)

Gene: CTNNA2 (catenin alpha 2; plus strand). Cytogenetic location: 2p12.
Variant type: single nucleotide variant.
Coding change: c.1056T>C on transcript NM_001282597.3 (MANE Select); coding-DNA position 1056, T replaced by C.
Protein change: p.Asn352=; no amino-acid change (asparagine 352 retained).
Molecular consequence: synonymous variant.
Genome position (GRCh38, 1-based): chr2:79,909,797, T>C. VCF-style: chr2-79909797-T-C. GRCh37 (hg19) VCF-style: chr2-80136923-T-C.
Other names: c.1056T>C, p.Asn352= (NM_001164883.2, NM_001399737.1, NM_004389.4); c.1158T>C, p.Asn386= (NM_001282598.2).
Identifiers: ClinVar variation 4084895 (VCV004084895.8).